The following is an entry in ClinVar:

NM_182548.4(LHFPL5):c.430G>A (p.Gly144Ser)

Gene: LHFPL5 (LHFPL tetraspan subfamily member 5; plus strand). Cytogenetic location: 6p21.31.
Variant type: single nucleotide variant.
Coding change: c.430G>A on transcript NM_182548.4 (MANE Select); coding-DNA position 430, G replaced by A.
Protein change: p.Gly144Ser; replaces glycine 144 with serine.
Molecular consequence: missense variant.
Genome position (GRCh38, 1-based): chr6:35,814,563, G>A. VCF-style: chr6-35814563-G-A. GRCh37 (hg19) VCF-style: chr6-35782340-G-A.
Other names: short protein forms G144S.
Identifiers: ClinVar variation 1503656 (VCV001503656.8), dbSNP rs2151070785, ClinGen allele CA363785735.

ClinVar aggregate classification (germline): Uncertain significance (1 of 4 stars; one submission).

Submission:

Labcorp Genetics (formerly Invitae), Labcorp
Classification: Uncertain significance. Last evaluated: 2021-04-24. Review status: criteria provided, single submitter. Criteria: Invitae Variant Classification Sherloc (09022015). Collection method: clinical testing. Allele origin: germline.
Comment: This sequence change replaces glycine with serine at codon 144 of the LHFPL5 protein (p.Gly144Ser). The glycine residue is highly conserved and there is a small physicochemical difference between glycine and serine. This variant is not present in population databases (ExAC no frequency). This variant has not been reported in the literature in individuals with LHFPL5-related conditions. Algorithms developed to predict the effect of missense changes on protein structure and function are either unavailable or do not agree on the potential impact of this missense change (SIFT: "Deleterious"; PolyPhen-2: "Probably Damaging"; Align-GVGD: "Class C0"). In summary, the available evidence is currently insufficient to determine the role of this variant in disease. Therefore, it has been classified as a Variant of Uncertain Significance.